The following is an entry in ClinVar:

ClinVar aggregate classification (germline): Uncertain significance (1 of 4 stars; one submission).

gnomAD v4.1: 105 of 1,613,828 alleles (0.0065%); highest among the groups gnomAD compares: Non-Finnish European, 0.0086%; no homozygotes.

Submission:

Labcorp Genetics (formerly Invitae), Labcorp
Classification: Uncertain significance. Last evaluated: 2024-01-31. Review status: criteria provided, single submitter. Criteria: Invitae Variant Classification Sherloc (09022015). Collection method: clinical testing. Allele origin: germline.
Comment: This sequence change replaces lysine, which is basic and polar, with glutamic acid, which is acidic and polar, at codon 252 of the TRAP1 protein (p.Lys252Glu). This variant is present in population databases (rs372179545, gnomAD 0.008%). This variant has not been reported in the literature in individuals affected with TRAP1-related conditions. Advanced modeling of protein sequence and biophysical properties (such as structural, functional, and spatial information, amino acid conservation, physicochemical variation, residue mobility, and thermodynamic stability) performed at Invitae indicates that this missense variant is not expected to disrupt TRAP1 protein function with a negative predictive value of 80%. In summary, the available evidence is currently insufficient to determine the role of this variant in disease. Therefore, it has been classified as a Variant of Uncertain Significance.

NM_016292.3(TRAP1):c.754A>G (p.Lys252Glu)

Gene: TRAP1 (TNF receptor associated protein 1; minus strand). Cytogenetic location: 16p13.3.
Variant type: single nucleotide variant.
Coding change: c.754A>G on transcript NM_016292.3 (MANE Select); coding-DNA position 754, A replaced by G.
Protein change: p.Lys252Glu; replaces lysine 252 with glutamic acid.
Molecular consequence: missense variant.
Genome position (GRCh38, 1-based): chr16:3,676,096, T>C on the plus strand (A>G on the coding strand, the complement: TRAP1 is on the minus strand). VCF-style: chr16-3676096-T-C. GRCh37 (hg19) VCF-style: chr16-3726097-T-C.
Other names: c.595A>G, p.Lys199Glu (NM_001272049.2); short protein forms K199E, K252E.
Identifiers: ClinVar variation 3621017 (VCV003621017.2).